The following is an entry in ClinVar:

NM_052876.4(NACC1):c.535A>T (p.Met179Leu)

Gene: NACC1 (nucleus accumbens associated 1; plus strand). Cytogenetic location: 19p13.13.
Variant type: single nucleotide variant.
Coding change: c.535A>T on transcript NM_052876.4 (MANE Select); coding-DNA position 535, A replaced by T.
Protein change: p.Met179Leu; replaces methionine 179 with leucine.
Molecular consequence: missense variant.
Genome position (GRCh38, 1-based): chr19:13,135,742, A>T. VCF-style: chr19-13135742-A-T. GRCh37 (hg19) VCF-style: chr19-13246556-A-T.
Other names: short protein forms M179L.
Identifiers: ClinVar variation 1986338 (VCV001986338.4), dbSNP rs1454349884, ClinGen allele CA404325578.

ClinVar aggregate classification (germline): Uncertain significance (1 of 4 stars; one submission).

Allele frequency attached by ClinVar (database versions not stated): TOPMed below 0.00001.

Submission:

Labcorp Genetics (formerly Invitae), Labcorp
Classification: Uncertain significance. Last evaluated: 2025-11-25. Review status: criteria provided, single submitter. Criteria: Invitae Variant Classification Sherloc (09022015). Collection method: clinical testing. Allele origin: germline.
Comment: This sequence change replaces methionine, which is neutral and non-polar, with leucine, which is neutral and non-polar, at codon 179 of the NACC1 protein (p.Met179Leu). The frequency data for this variant in the population databases is considered unreliable, as metrics indicate poor data quality at this position in the gnomAD database. This variant has not been reported in the literature in individuals affected with NACC1-related conditions. ClinVar contains an entry for this variant (Variation ID: 1986338). Invitae Evidence Modeling of protein sequence and biophysical properties (such as structural, functional, and spatial information, amino acid conservation, physicochemical variation, residue mobility, and thermodynamic stability) indicates that this missense variant is not expected to disrupt NACC1 protein function with a negative predictive value of 80%. In summary, the available evidence is currently insufficient to determine the role of this variant in disease. Therefore, it has been classified as a Variant of Uncertain Significance.